The following is an entry in ClinVar:

ClinVar aggregate classification (germline): Uncertain significance (1 of 4 stars; one submission).

Submission:

Women's Health and Genetics/Laboratory Corporation of America, LabCorp
Classification: Uncertain significance. Last evaluated: 2026-03-20. Review status: criteria provided, single submitter. Criteria: LabCorp Variant Classification Summary - May 2015. Collection method: clinical testing. Allele origin: germline.
Comment: Variant summary: MMAA c.589A>G (p.Met197Val) results in a conservative amino acid change in the encoded protein sequence. Algorithms developed to predict the effect of missense changes on protein structure and function are either unavailable or do not agree on the potential impact of this missense change. The variant was absent in 251392 control chromosomes. The available data on variant occurrences in the general population are insufficient to allow any conclusion about variant significance. c.589A>G has been observed in an individual affected with Methylmalonic Acidemia (Horster_2021, Marelli_2022). These data do not allow any conclusion about variant significance. To our knowledge, no experimental evidence demonstrating an impact on protein function has been reported. The following publications have been ascertained in the context of this evaluation (PMID: 32754920, 35618652). No submitters have cited clinical-significance assessments for this variant to ClinVar. Based on the evidence outlined above, the variant was classified as uncertain significance.

Literature cited by the submitters: PubMed 32754920; PubMed 35618652.

NM_172250.3(MMAA):c.589A>G (p.Met197Val)

Gene: MMAA (metabolism of cobalamin associated A; plus strand). Cytogenetic location: 4q31.21.
Variant type: single nucleotide variant.
Coding change: c.589A>G on transcript NM_172250.3 (MANE Select); coding-DNA position 589, A replaced by G.
Protein change: p.Met197Val; replaces methionine 197 with valine.
Molecular consequence: missense variant.
Genome position (GRCh38, 1-based): chr4:145,646,012, A>G. VCF-style: chr4-145646012-A-G. GRCh37 (hg19) VCF-style: chr4-146567164-A-G.
Other names: c.589A>G, p.Met197Val (NM_001375644.1); short protein forms M197V.
Identifiers: ClinVar variation 4847060 (VCV004847060.1).